The following is an entry in ClinVar:

ClinVar aggregate classification (germline): Uncertain significance (1 of 4 stars; one submission).

Allele frequency attached by ClinVar (database versions not stated): gnomAD 0.00001; gnomAD exomes 0.00001; TOPMed 0.00002; ExAC 0.00003.
gnomAD v4.1: 15 of 1,612,726 alleles (0.00093%); highest among the groups gnomAD compares: East Asian, 0.02%; no homozygotes.

Submission:

Labcorp Genetics (formerly Invitae), Labcorp
Classification: Uncertain significance. Last evaluated: 2024-04-13. Review status: criteria provided, single submitter. Criteria: Invitae Variant Classification Sherloc (09022015). Collection method: clinical testing. Allele origin: germline.
Comment: This sequence change replaces alanine, which is neutral and non-polar, with threonine, which is neutral and polar, at codon 1012 of the ARHGEF10 protein (p.Ala1012Thr). This variant is present in population databases (rs754597393, gnomAD 0.03%). This variant has not been reported in the literature in individuals affected with ARHGEF10-related conditions. ClinVar contains an entry for this variant (Variation ID: 2197411). Advanced modeling of protein sequence and biophysical properties (such as structural, functional, and spatial information, amino acid conservation, physicochemical variation, residue mobility, and thermodynamic stability) performed at Invitae indicates that this missense variant is expected to disrupt ARHGEF10 protein function with a positive predictive value of 80%. In summary, the available evidence is currently insufficient to determine the role of this variant in disease. Therefore, it has been classified as a Variant of Uncertain Significance.

NM_014629.4(ARHGEF10):c.3034G>A (p.Ala1012Thr)

Gene: ARHGEF10 (Rho guanine nucleotide exchange factor 10; plus strand). Cytogenetic location: 8p23.3.
Variant type: single nucleotide variant.
Coding change: c.3034G>A on transcript NM_014629.4 (MANE Select); coding-DNA position 3034, G replaced by A.
Protein change: p.Ala1012Thr; replaces alanine 1012 with threonine.
Molecular consequence: missense variant.
Genome position (GRCh38, 1-based): chr8:1,929,398, G>A. VCF-style: chr8-1929398-G-A. GRCh37 (hg19) VCF-style: chr8-1877564-G-A.
Other names: c.2920G>A, p.Ala974Thr (NM_001308152.2); c.3034G>A, p.Ala1012Thr (NM_001308153.3); short protein forms A1036T, A974T, A1012T.
Identifiers: ClinVar variation 2197411 (VCV002197411.4), dbSNP rs754597393, ClinGen allele CA4601164.
Genomic context (GRCh38, chr8:1,929,398, plus strand): 5'-TTTTTCACTCCTGAGAAGTCCACAGTCATGAGCCTGGCTTGCACGTCTCAGAGCCTGTAC[G>A]CTGGCCTGGTCAACGGGGCAGTCGCCAGCTACGCCAGAGCCCCAGGTGAGGCGGGTCTCA-3'
Protein context (NP_055444.2, residues 1002-1022): SLACTSQSLY[Ala1012Thr]GLVNGAVASY